The following is an entry in ClinVar:

ClinVar aggregate classification (germline): Conflicting classifications of pathogenicity. Review status: criteria provided, conflicting classifications (1 of 4 stars). 3 submissions from 3 submitters: Uncertain significance (1); Likely benign (2). Last evaluated 2025-11-27.

Conditions:
Hereditary cancer-predisposing syndrome. Also called: Tumor predisposition; Hereditary Cancer Syndrome; Neoplastic Syndromes, Hereditary; Hereditary neoplastic syndrome. Identifiers: Orphanet 140162, MedGen C0027672, MeSH D009386, MONDO:0015356.
Tuberous sclerosis 2 (TSC2). Identifiers: Orphanet 805, MedGen C1860707, MONDO:0013199, OMIM 613254.

Allele frequency attached by ClinVar (database versions not stated): gnomAD exomes below 0.00001; ExAC 0.00001.
gnomAD v4.1: 6 of 1,613,888 alleles (0.00037%); highest among the groups gnomAD compares: South Asian, 0.0066%; no homozygotes.

Submissions (3):

Labcorp Genetics (formerly Invitae), Labcorp
Classification: Likely benign for Tuberous sclerosis 2. Last evaluated: 2025-11-27. Review status: criteria provided, single submitter. Criteria: Invitae Variant Classification Sherloc (09022015). Collection method: clinical testing. Allele origin: germline.

Ambry Genetics
Classification: Likely benign for Hereditary cancer-predisposing syndrome. Last evaluated: 2023-04-28. Review status: criteria provided, single submitter. Criteria: Ambry Variant Classification Scheme 2023. Collection method: clinical testing. Allele origin: germline.

GeneDx
Classification: Uncertain significance. Last evaluated: 2022-03-30. Review status: criteria provided, single submitter. Criteria: GeneDx Variant Classification Process June 2021. Collection method: clinical testing. Allele origin: germline. Affected: yes.
Comment: In silico analysis supports that this variant does not alter splicing; Has not been previously published as pathogenic or benign to our knowledge

NM_000548.5(TSC2):c.1470C>A (p.Ile490=)

Gene: TSC2 (TSC complex subunit 2; plus strand). Cytogenetic location: 16p13.3.
Variant type: single nucleotide variant.
Coding change: c.1470C>A on transcript NM_000548.5 (MANE Select); coding-DNA position 1470, C replaced by A.
Protein change: p.Ile490=; no amino-acid change (isoleucine 490 retained).
Molecular consequence: synonymous variant.
Genome position (GRCh38, 1-based): chr16:2,064,298, C>A. VCF-style: chr16-2064298-C-A. GRCh37 (hg19) VCF-style: chr16-2114299-C-A.
Other names: c.1470C>A, p.Ile490= (NM_001077183.3, NM_001114382.3, NM_001363528.2 and 3 more transcripts); c.1359C>A, p.Ile453= (NM_001318827.2); c.1323C>A, p.Ile441= (NM_001318829.2); c.870C>A, p.Ile290= (NM_001318831.2); c.1503C>A, p.Ile501= (NM_001318832.2).
Identifiers: ClinVar variation 745186 (VCV000745186.12), dbSNP rs753344988, ClinGen allele CA030719.
Genomic context (GRCh38, chr16:2,064,298, plus strand): 5'-CTGGCGCTCATTGGCCTCCCTTGTGCCTGTGCAGGAGGAGCTGATTAACTCAGTGGTCAT[C>A]TCGCAGCTCTCCCACATCCCCGAGGATAAAGACCACCAGGTCCGAAAGCTGGCCACCCAG-3'
Protein context (NP_000539.2, residues 480-500): YEEELINSVV[Ile490=]SQLSHIPEDK